The following is an entry in ClinVar:

ClinVar aggregate classification (germline): Uncertain significance. Review status: criteria provided, multiple submitters, no conflicts (2 of 4 stars). 2 submissions from 2 submitters: Uncertain significance (2). Last evaluated 2024-12-16.

Allele frequency attached by ClinVar (database versions not stated): gnomAD exomes 0.00001 and 0.00002; ExAC 0.00002.

Submissions (2):

Ambry Genetics
Classification: Uncertain significance. Last evaluated: 2024-12-16. Review status: criteria provided, single submitter. Criteria: Ambry Variant Classification Scheme 2023. Collection method: clinical testing. Allele origin: germline.
Comment: The p.R117C variant (also known as c.349C>T), located in coding exon 2 of the RNF43 gene, results from a C to T substitution at nucleotide position 349. The arginine at codon 117 is replaced by cysteine, an amino acid with highly dissimilar properties. This amino acid position is conserved. In addition, the in silico prediction for this alteration is inconclusive. Based on the available evidence, the clinical significance of this variant remains unclear.

Labcorp Genetics (formerly Invitae), Labcorp
Classification: Uncertain significance. Last evaluated: 2019-11-28. Review status: criteria provided, single submitter. Criteria: Invitae Variant Classification Sherloc (09022015). Collection method: clinical testing. Allele origin: germline.
Comment: This sequence change replaces arginine with cysteine at codon 117 of the RNF43 protein (p.Arg117Cys). The arginine residue is moderately conserved and there is a large physicochemical difference between arginine and cysteine. In summary, the available evidence is currently insufficient to determine the role of this variant in disease. Therefore, it has been classified as a Variant of Uncertain Significance. Algorithms developed to predict the effect of missense changes on protein structure and function are either unavailable or do not agree on the potential impact of this missense change (SIFT: "Deleterious"; PolyPhen-2: "Possibly Damaging"; Align-GVGD: "Class C0"). This variant has not been reported in the literature in individuals with RNF43-related conditions. The frequency data for this variant in the population databases is considered unreliable, as metrics indicate poor data quality at this position in the ExAC database.

NM_017763.6(RNF43):c.349C>T (p.Arg117Cys)

Gene: RNF43 (ring finger protein 43; minus strand). Cytogenetic location: 17q22.
Variant type: single nucleotide variant.
Coding change: c.349C>T on transcript NM_017763.6 (MANE Select); coding-DNA position 349, C replaced by T.
Protein change: p.Arg117Cys; replaces arginine 117 with cysteine.
Molecular consequence: missense variant.
Genome position (GRCh38, 1-based): chr17:58,370,937, G>A on the plus strand (C>T on the coding strand, the complement: RNF43 is on the minus strand). VCF-style: chr17-58370937-G-A. GRCh37 (hg19) VCF-style: chr17-56448298-G-A.
Other names: c.349C>T, p.Arg117Cys (NM_001305544.3); c.-33C>T (NM_001305545.2); short protein forms R117C.
Identifiers: ClinVar variation 852991 (VCV000852991.10), dbSNP rs758286312, ClinGen allele CA8673463.